The following is an entry in ClinVar:

NM_000059.4(BRCA2):c.8623G>A (p.Glu2875Lys)

Gene: BRCA2 (BRCA2 DNA repair associated; plus strand). Cytogenetic location: 13q13.1.
Variant type: single nucleotide variant.
Coding change: c.8623G>A on transcript NM_000059.4 (MANE Select); coding-DNA position 8623, G replaced by A.
Protein change: p.Glu2875Lys; replaces glutamic acid 2875 with lysine.
Molecular consequence: missense variant. On other transcripts: non-coding transcript variant (1).
Genome position (GRCh38, 1-based): chr13:32,371,091, G>A. VCF-style: chr13-32371091-G-A. GRCh37 (hg19) VCF-style: chr13-32945228-G-A.
Other names: c.8527G>A, p.Glu2843Lys (NM_001406719.1); c.8623G>A, p.Glu2875Lys (NM_001406720.1); c.3691G>A, p.Glu1231Lys (NM_001406721.1); c.2206G>A, p.Glu736Lys (NM_001406722.1); short protein forms E2875K, E736K, E1231K, E2843K.
Identifiers: ClinVar variation 2595466 (VCV002595466.8), dbSNP rs2137601108, ClinGen allele CA387752980.
Genomic context (GRCh38, chr13:32,371,091, plus strand): 5'-GTGGAGGCCCAACAAAAGAGACTAGAAGCCTTATTCACTAAAATTCAGGAGGAATTTGAA[G>A]AACATGAAGGTAAAATTAGTTATATGGTACACATTGTTATTTCTAATATGAGAACAAAGT-3'
Protein context (NP_000050.3, residues 2865-2885): LFTKIQEEFE[Glu2875Lys]HEENTTKPYL

ClinVar aggregate classification (germline): Conflicting classifications of pathogenicity. Review status: criteria provided, conflicting classifications (1 of 4 stars). 3 submissions from 3 submitters: Uncertain significance (2); Benign (1). Last evaluated 2025-05-19.

Conditions:
Hereditary breast ovarian cancer syndrome. Also called: Hereditary breast and ovarian cancer; Breast and ovarian cancer; Hereditary breast and ovarian cancer syndrome (HBOC); BRCA1- and BRCA2-Associated Hereditary Breast and Ovarian Cancer; Hereditary breast and ovarian cancer syndrome; Hereditary breast and/or ovarian cancer syndrome. Identifiers: Orphanet 145, MedGen C0677776, MeSH D061325, MONDO:0003582. Disease mechanism: loss of function.
Hereditary cancer-predisposing syndrome. Also called: Tumor predisposition; Hereditary Cancer Syndrome; Hereditary neoplastic syndrome; Neoplastic Syndromes, Hereditary. Identifiers: Orphanet 140162, MedGen C0027672, MeSH D009386, MONDO:0015356.

Allele frequency attached by ClinVar (database versions not stated): gnomAD exomes below 0.00001.
gnomAD v4.1: 1 of 1,613,860 alleles (0.000062%); highest among the groups gnomAD compares: Admixed American, 0.0017%; no homozygotes.

Submissions (3):

Ambry Genetics
Classification: Benign for Hereditary cancer-predisposing syndrome. Last evaluated: 2025-05-19. Review status: criteria provided, single submitter. Criteria: Ambry Variant Classification Scheme 2023. Collection method: clinical testing. Allele origin: germline.

Labcorp Genetics (formerly Invitae), Labcorp
Classification: Uncertain significance for Hereditary breast ovarian cancer syndrome. Last evaluated: 2023-02-24. Review status: criteria provided, single submitter. Criteria: Invitae Variant Classification Sherloc (09022015). Collection method: clinical testing. Allele origin: germline.
Comment: In summary, the available evidence is currently insufficient to determine the role of this variant in disease. Therefore, it has been classified as a Variant of Uncertain Significance. Advanced modeling of protein sequence and biophysical properties (such as structural, functional, and spatial information, amino acid conservation, physicochemical variation, residue mobility, and thermodynamic stability) performed at Invitae indicates that this missense variant is not expected to disrupt BRCA2 protein function. This variant has not been reported in the literature in individuals affected with BRCA2-related conditions. This variant is not present in population databases (gnomAD no frequency). This sequence change replaces glutamic acid, which is acidic and polar, with lysine, which is basic and polar, at codon 2875 of the BRCA2 protein (p.Glu2875Lys).

Color Diagnostics, LLC DBA Color Health
Classification: Uncertain significance for Hereditary cancer-predisposing syndrome. Last evaluated: 2021-08-25. Review status: criteria provided, single submitter. Criteria: ACMG Guidelines, 2015. Collection method: clinical testing. Allele origin: germline.
Comment: This missense variant replaces glutamic acid with lysine at codon 2875 of the BRCA2 protein. Computational prediction suggests that this variant may not impact protein structure and function (internally defined REVEL score threshold <= 0.5, PMID: 27666373). To our knowledge, functional studies have not been reported for this variant. This variant has not been reported in individuals affected with hereditary cancer in the literature. This variant has not been identified in the general population by the Genome Aggregation Database (gnomAD). The available evidence is insufficient to determine the role of this variant in disease conclusively. Therefore, this variant is classified as a Variant of Uncertain Significance.